The following is an entry in ClinVar:

NM_024422.6(DSC2):c.2117T>C (p.Leu706Ser)

Gene: DSC2 (desmocollin 2; minus strand). Cytogenetic location: 18q12.1.
Variant type: single nucleotide variant.
Coding change: c.2117T>C on transcript NM_024422.6 (MANE Select); coding-DNA position 2117, T replaced by C.
Protein change: p.Leu706Ser; replaces leucine 706 with serine.
Molecular consequence: missense variant.
Genome position (GRCh38, 1-based): chr18:31,071,613, A>G on the plus strand (T>C on the coding strand, the complement: DSC2 is on the minus strand). VCF-style: chr18-31071613-A-G. GRCh37 (hg19) VCF-style: chr18-28651579-A-G.
Other names: c.1688T>C, p.Leu563Ser (NM_001406506.1, NM_001406507.1); c.2117T>C, p.Leu706Ser (NM_004949.5); c.2117T>C (NM_024422.3); short protein forms L563S, L706S.
Identifiers: ClinVar variation 3386516 (VCV003386516.2).

ClinVar aggregate classification (germline): Uncertain significance. Review status: criteria provided, multiple submitters, no conflicts (2 of 4 stars). 2 submissions from 2 submitters: Uncertain significance (2). Last evaluated 2026-01-26.

Conditions:
Familial isolated arrhythmogenic right ventricular dysplasia. Identifiers: Orphanet 217656, MedGen C4274968, MONDO:0016342.

gnomAD v4.1: 2 of 1,613,592 alleles (0.00012%); highest among the groups gnomAD compares: South Asian, 0.0011%; no homozygotes.

Submissions (2):

GeneDx
Classification: Uncertain significance. Last evaluated: 2026-01-26. Review status: criteria provided, single submitter. Criteria: GeneDx Variant Classification Process June 2021. Collection method: clinical testing. Allele origin: germline.
Comment: Not observed at significant frequency in large population cohorts (gnomAD); In silico analysis supports that this missense variant has a deleterious effect on protein structure/function; Has not been previously published as pathogenic or benign to our knowledge

All of Us Research Program, National Institutes of Health
Classification: Uncertain significance for Familial isolated arrhythmogenic right ventricular dysplasia. Last evaluated: 2024-08-06. Review status: criteria provided, single submitter. Criteria: ACMG Guidelines, 2015. Collection method: clinical testing. Allele origin: germline. Inheritance: Autosomal dominant inheritance. Observed: 1 variant allele, 1 heterozygote.
Comment: This study involves interpretation of variants in research participants for the purpose of population health screening. Participant phenotype was not available at the time of variant classification. Additional details can be found in publication PMID: 35346344, PMCID: PMC8962531